The following is an entry in ClinVar:

ClinVar aggregate classification (germline): Uncertain significance. Review status: criteria provided, multiple submitters, no conflicts (2 of 4 stars). 2 submissions from 2 submitters: Uncertain significance (2). Last evaluated 2026-06-15.

Conditions:
ABCB11-related disorder. Also called: ABCB11-related condition.
Inborn genetic diseases. Identifiers: MedGen C0950123, MeSH D030342.

gnomAD v4.1: 9 of 1,611,588 alleles (0.00056%); highest among the groups gnomAD compares: Non-Finnish European, 0.00076%; no homozygotes.

Submissions (2):

PreventionGenetics, part of Exact Sciences
Classification: Uncertain significance for ABCB11-related condition. Last evaluated: 2026-06-15. Review status: criteria provided, single submitter. Criteria: ACMG Guidelines, 2015. Collection method: clinical testing. Allele origin: germline.
Comment: The ABCB11 c.1433T>C variant is predicted to result in the amino acid substitution p.Met478Thr. To our knowledge, this variant has not been reported in the literature. This variant is reported in 0.0018% of alleles in individuals of European (Non-Finnish) descent in gnomAD. At this time, the clinical significance of this variant is uncertain due to the absence of conclusive functional and genetic evidence.

Ambry Genetics
Classification: Uncertain significance for Inborn genetic diseases. Last evaluated: 2024-11-09. Review status: criteria provided, single submitter. Criteria: Ambry Variant Classification Scheme 2023. Collection method: clinical testing. Allele origin: germline.

NM_003742.4(ABCB11):c.1433T>C (p.Met478Thr)

Gene: ABCB11 (ATP binding cassette subfamily B member 11; minus strand). Cytogenetic location: 2q31.1.
Variant type: single nucleotide variant.
Coding change: c.1433T>C on transcript NM_003742.4 (MANE Select); coding-DNA position 1433, T replaced by C.
Protein change: p.Met478Thr; replaces methionine 478 with threonine.
Molecular consequence: missense variant.
Genome position (GRCh38, 1-based): chr2:168,973,716, A>G on the plus strand (T>C on the coding strand, the complement: ABCB11 is on the minus strand). VCF-style: chr2-168973716-A-G. GRCh37 (hg19) VCF-style: chr2-169830226-A-G.
Other names: short protein forms M478T.
Identifiers: ClinVar variation 3532395 (VCV003532395.2).